The following is an entry in ClinVar:

NM_004006.3(DMD):c.10223+3G>C

Gene: DMD (dystrophin; minus strand). Cytogenetic location: Xp21.2.
Variant type: single nucleotide variant.
Coding change: c.10223+3G>C on transcript NM_004006.3 (MANE Select); 3 bases into the intron after coding-DNA position 10223, G replaced by C.
Molecular consequence: intron variant. On other transcripts: stop lost (1).
Genome position (GRCh38, 1-based): chrX:31,178,666, C>G on the plus strand (G>C on the coding strand, the complement: DMD is on the minus strand). VCF-style: chrX-31178666-C-G. GRCh37 (hg19) VCF-style: chrX-31196783-C-G.
Other names: c.1022G>C, p.Ter341Ser (NM_004019.3); c.10199+3G>C (NM_000109.4); c.6200+3G>C (NM_004011.4); c.6191+3G>C (NM_004012.4); c.2843+3G>C (NM_004023.3, NM_004020.4, NM_004022.3 and 2 more transcripts); c.2036+3G>C (NM_004014.3); c.1019+3G>C (NM_004018.3, NM_004017.3, NM_004016.3 and 1 more transcripts); c.10211+3G>C (NM_004009.3); and 1 more.
Identifiers: ClinVar variation 1504110 (VCV001504110.8), dbSNP rs2148290255, ClinGen allele CA2573158729.

ClinVar aggregate classification (germline): Likely pathogenic (1 of 4 stars; one submission).

Conditions:
Duchenne muscular dystrophy (DMD). Also called: Duchenne Muscular Dystrophy (DMD); MUSCULAR DYSTROPHY, PSEUDOHYPERTROPHIC PROGRESSIVE, DUCHENNE TYPE. Identifiers: Orphanet 98896, MedGen C0013264, MONDO:0010679, OMIM 310200.

Submission:

Labcorp Genetics (formerly Invitae), Labcorp
Classification: Likely pathogenic for Duchenne muscular dystrophy. Last evaluated: 2023-08-04. Review status: criteria provided, single submitter. Criteria: Invitae Variant Classification Sherloc (09022015). Collection method: clinical testing. Allele origin: germline.
Comment: In summary, the currently available evidence indicates that the variant is pathogenic, but additional data are needed to prove that conclusively. Therefore, this variant has been classified as Likely Pathogenic. Variants that disrupt the consensus splice site are a relatively common cause of aberrant splicing (PMID: 17576681, 9536098). Algorithms developed to predict the effect of sequence changes on RNA splicing suggest that this variant may disrupt the consensus splice site. ClinVar contains an entry for this variant (Variation ID: 1504110). This variant has been observed in individual(s) with Duchenne muscular dystrophy (PMID: 17041906, 28859693). This variant is not present in population databases (gnomAD no frequency). This sequence change falls in intron 70 of the DMD gene. It does not directly change the encoded amino acid sequence of the DMD protein. It affects a nucleotide within the consensus splice site.

Literature cited by the submitters: PubMed 17576681; PubMed 9536098; PubMed 17041906; PubMed 28859693.